The following is an entry in ClinVar:

NM_000393.5(COL5A2):c.383G>A (p.Arg128His)

Gene: COL5A2 (collagen type V alpha 2 chain; minus strand). Cytogenetic location: 2q32.2.
Variant type: single nucleotide variant.
Coding change: c.383G>A on transcript NM_000393.5 (MANE Select); coding-DNA position 383, G replaced by A.
Protein change: p.Arg128His; replaces arginine 128 with histidine.
Molecular consequence: missense variant.
Genome position (GRCh38, 1-based): chr2:189,098,746, C>T on the plus strand (G>A on the coding strand, the complement: COL5A2 is on the minus strand). VCF-style: chr2-189098746-C-T. GRCh37 (hg19) VCF-style: chr2-189963472-C-T.
Other names: short protein forms R128H.
Identifiers: ClinVar variation 858094 (VCV000858094.51), dbSNP rs757439328, ClinGen allele CA2023110.

ClinVar aggregate classification (germline): Conflicting classifications of pathogenicity. Review status: criteria provided, conflicting classifications (1 of 4 stars). 3 submissions from 3 submitters: Uncertain significance (2); Benign (1). Last evaluated 2025-07-09.

Conditions:
Ehlers-Danlos syndrome, classic type, 1 (EDSCL1). Also called: Ehlers-Danlos syndrome, type 1; Ehlers-Danlos Syndrome, Classic Type, COL5A1-Related; EDS I; EHLERS-DANLOS SYNDROME, GRAVIS TYPE; EHLERS-DANLOS SYNDROME, SEVERE CLASSIC TYPE. Identifiers: MedGen C0268335, MONDO:0019567, OMIM 130000.
Familial thoracic aortic aneurysm and aortic dissection (TAAD). Also called: Thoracic aortic aneurysms and dissections. Identifiers: Orphanet 91387, MedGen C4707243, MONDO:0019625.
Ehlers-Danlos syndrome, classic type (cEDS). Identifiers: Orphanet 287, MedGen C4225429, MONDO:0007522.

Allele frequency attached by ClinVar (database versions not stated): gnomAD 0.00001; TOPMed 0.00001; ExAC 0.00003.
gnomAD v4.1: 14 of 1,612,838 alleles (0.00087%); highest among the groups gnomAD compares: South Asian, 0.0055%; no homozygotes.

Submissions (3):

Ambry Genetics
Classification: Uncertain significance for Familial thoracic aortic aneurysm and aortic dissection. Last evaluated: 2025-07-09. Review status: criteria provided, single submitter. Criteria: Ambry Variant Classification Scheme 2023. Collection method: clinical testing. Allele origin: germline.
Comment: The p.R128H variant (also known as c.383G>A), located in coding exon 5 of the COL5A2 gene, results from a G to A substitution at nucleotide position 383. The arginine at codon 128 is replaced by histidine, an amino acid with highly similar properties. This amino acid position is highly conserved in available vertebrate species. In addition, the in silico prediction for this alteration is inconclusive. Based on the available evidence, the clinical significance of this variant remains unclear.

Labcorp Genetics (formerly Invitae), Labcorp
Classification: Benign for Ehlers-Danlos syndrome, classic type, 1. Last evaluated: 2025-05-15. Review status: criteria provided, single submitter. Criteria: Invitae Variant Classification Sherloc (09022015). Collection method: clinical testing. Allele origin: germline.

Department of Pathology and Laboratory Medicine, Sinai Health System
Classification: Uncertain significance for Ehlers-Danlos syndrome, classic type. Last evaluated: 2021-07-30. Review status: criteria provided, single submitter. Criteria: ACMG Guidelines, 2015. Collection method: research. Allele origin: germline.